The following is an entry in ClinVar:

ClinVar aggregate classification (germline): Uncertain significance (1 of 4 stars; one submission).

Submission:

Labcorp Genetics (formerly Invitae), Labcorp
Classification: Uncertain significance. Last evaluated: 2024-10-22. Review status: criteria provided, single submitter. Criteria: Invitae Variant Classification Sherloc (09022015). Collection method: clinical testing. Allele origin: germline.
Comment: This sequence change replaces aspartic acid, which is acidic and polar, with asparagine, which is neutral and polar, at codon 5 of the SRP54 protein (p.Asp5Asn). This variant is not present in population databases (gnomAD no frequency). This variant has not been reported in the literature in individuals affected with SRP54-related conditions. Invitae Evidence Modeling of protein sequence and biophysical properties (such as structural, functional, and spatial information, amino acid conservation, physicochemical variation, residue mobility, and thermodynamic stability) indicates that this missense variant is not expected to disrupt SRP54 protein function with a negative predictive value of 80%. In summary, the available evidence is currently insufficient to determine the role of this variant in disease. Therefore, it has been classified as a Variant of Uncertain Significance.

NM_003136.4(SRP54):c.13G>A (p.Asp5Asn)

Gene: SRP54 (signal recognition particle 54; plus strand). Cytogenetic location: 14q13.2.
Variant type: single nucleotide variant.
Coding change: c.13G>A on transcript NM_003136.4 (MANE Select); coding-DNA position 13, G replaced by A.
Protein change: p.Asp5Asn; replaces aspartic acid 5 with asparagine.
Molecular consequence: missense variant. On other transcripts: 5 prime UTR variant (1).
Genome position (GRCh38, 1-based): chr14:34,996,722, G>A. VCF-style: chr14-34996722-G-A. GRCh37 (hg19) VCF-style: chr14-35465928-G-A.
Other names: c.-43G>A (NM_001146282.2); c.13G>A, p.Asp5Asn (NM_001411017.1); short protein forms D5N.
Identifiers: ClinVar variation 3705350 (VCV003705350.2).
Genomic context (GRCh38, chr14:34,996,722, plus strand): 5'-TTTTTTCTGCTGTAGAGTTCTTCGTAAGTACATCTTAAAGCTGTCAAGATGGTTCTAGCA[G>A]ACCTTGGAAGAAAAATAACATCAGCATTACGCTCGTTGAGCAATGCCACCATTATCAATG-3'
Protein context (NP_003127.1, residues 1-15): MVLA[Asp5Asn]LGRKITSALR